The following is an entry in ClinVar:

ClinVar aggregate classification (germline): Uncertain significance (1 of 4 stars; one submission).

Submission:

Ambry Genetics
Classification: Uncertain significance. Last evaluated: 2024-06-20. Review status: criteria provided, single submitter. Criteria: Ambry Variant Classification Scheme 2023. Collection method: clinical testing. Allele origin: germline.
Comment: The p.S784C variant (also known as c.2351C>G), located in coding exon 20 of the BUB1 gene, results from a C to G substitution at nucleotide position 2351. The serine at codon 784 is replaced by cysteine, an amino acid with dissimilar properties. This amino acid position is conserved. In addition, this alteration is predicted to be tolerated by in silico analysis. Since supporting evidence is limited at this time, the clinical significance of this alteration remains unclear.

NM_004336.5(BUB1):c.2351C>G (p.Ser784Cys)

Gene: BUB1 (BUB1 mitotic checkpoint serine/threonine kinase; minus strand). Cytogenetic location: 2q13.
Variant type: single nucleotide variant.
Coding change: c.2351C>G on transcript NM_004336.5 (MANE Select); coding-DNA position 2351, C replaced by G.
Protein change: p.Ser784Cys; replaces serine 784 with cysteine.
Molecular consequence: missense variant.
Genome position (GRCh38, 1-based): chr2:110,642,231, G>C on the plus strand (C>G on the coding strand, the complement: BUB1 is on the minus strand). VCF-style: chr2-110642231-G-C. GRCh37 (hg19) VCF-style: chr2-111399808-G-C.
Other names: c.2291C>G, p.Ser764Cys (NM_001278616.2); c.2351C>G, p.Ser784Cys (NM_001278617.2); short protein forms S784C, S764C.
Identifiers: ClinVar variation 1790016 (VCV001790016.3), dbSNP rs2467973629, ClinGen allele CA348209326.